The following is an entry in ClinVar:

NM_015202.5(KATNIP):c.2820dup (p.Ser941fs)

Gene: KATNIP (katanin interacting protein; plus strand). Cytogenetic location: 16p12.1.
Variant type: Duplication.
Coding change: c.2820dup on transcript NM_015202.5 (MANE Select); coding-DNA position 2820, one base duplicated (C; older notation c.2820dupC).
Protein change: p.Ser941fs; shifts the reading frame from serine 941.
Molecular consequence: frameshift variant.
Genome position (GRCh38, 1-based): chr16:27,749,780, C duplicated; the last of 6 consecutive C bases (chr16:27,749,775-27,749,780); duplicating any one gives the same sequence. VCF-style (leftmost placement, unchanged base first): chr16-27749774-G-GC. GRCh37 (hg19) VCF-style: chr16-27761095-G-GC.
Other names: short protein forms S941fs.
Identifiers: ClinVar variation 5005562 (VCV005005562.2).

ClinVar aggregate classification (germline): Likely pathogenic (1 of 4 stars; one submission).

Conditions:
Joubert syndrome 26 (JBTS26). Identifiers: Orphanet 475, MedGen C4084843, MONDO:0014771, OMIM 616784.

Submission:

Juno Genomics, Hangzhou Juno Genomics, Inc
Classification: Likely pathogenic for Joubert syndrome 26. Review status: criteria provided, single submitter. Criteria: ACMG Guidelines, 2015. Collection method: clinical testing. Allele origin: germline.
Comment: Null variant in a gene where loss of function (LOF) is a known mechanism of disease.;Absent from controls (or at extremely low frequency if recessive) in Genome Aggregation Database.